The following is an entry in ClinVar:

NM_017837.4(PIGV):c.1048C>T (p.Pro350Ser)

Gene: PIGV (phosphatidylinositol glycan anchor biosynthesis class V; plus strand). Cytogenetic location: 1p36.11.
Variant type: single nucleotide variant.
Coding change: c.1048C>T on transcript NM_017837.4 (MANE Select); coding-DNA position 1048, C replaced by T.
Protein change: p.Pro350Ser; replaces proline 350 with serine.
Molecular consequence: missense variant. On other transcripts: non-coding transcript variant (1), intron variant (1).
Genome position (GRCh38, 1-based): chr1:26,795,082, C>T. VCF-style: chr1-26795082-C-T. GRCh37 (hg19) VCF-style: chr1-27121573-C-T.
Other names: c.1048C>T, p.Pro350Ser (NM_001202554.2, NM_001374478.1, NM_001374480.1 and 2 more transcripts); c.667C>T, p.Pro223Ser (NM_001374483.1); c.421C>T, p.Pro141Ser (NM_001374484.1, NM_001374485.1); c.79-2481C>T (NM_001374486.1); short protein forms P350S, P223S, P141S.
Identifiers: ClinVar variation 1479489 (VCV001479489.6), dbSNP rs2124197374, ClinGen allele CA339201560.

ClinVar aggregate classification (germline): Uncertain significance (1 of 4 stars; one submission).

Submission:

Labcorp Genetics (formerly Invitae), Labcorp
Classification: Uncertain significance. Last evaluated: 2021-09-18. Review status: criteria provided, single submitter. Criteria: Invitae Variant Classification Sherloc (09022015). Collection method: clinical testing. Allele origin: germline.
Comment: This sequence change replaces proline with serine at codon 350 of the PIGV protein (p.Pro350Ser). The proline residue is moderately conserved and there is a moderate physicochemical difference between proline and serine. This variant is not present in population databases (ExAC no frequency). This variant has not been reported in the literature in individuals affected with PIGV-related conditions. Algorithms developed to predict the effect of missense changes on protein structure and function (SIFT, PolyPhen-2, Align-GVGD) all suggest that this variant is likely to be tolerated. In summary, the available evidence is currently insufficient to determine the role of this variant in disease. Therefore, it has been classified as a Variant of Uncertain Significance.